The following is an entry in ClinVar:

NM_001378454.1(ALMS1):c.11971A>C (p.Ile3991Leu)

Genes: ALMS1 (ALMS1 centrosome and basal body associated protein; plus strand), LOC126806252 (BRD4-independent group 4 enhancer GRCh37_chr2:73828496-73829695; plus strand). Cytogenetic location: 2p13.1.
Variant type: single nucleotide variant.
Coding change: c.11971A>C on transcript NM_001378454.1 (MANE Select); coding-DNA position 11971, A replaced by C.
Protein change: p.Ile3991Leu; replaces isoleucine 3991 with leucine.
Molecular consequence: missense variant.
Genome position (GRCh38, 1-based): chr2:73,601,293, A>C. VCF-style: chr2-73601293-A-C. GRCh37 (hg19) VCF-style: chr2-73828420-A-C.
Other names: c.11974A>C, p.Ile3992Leu (NM_015120.4); short protein forms I3991L, I3992L.
Identifiers: ClinVar variation 2133716 (VCV002133716.4), dbSNP rs368146962, ClinGen allele CA347266039.

ClinVar aggregate classification (germline): Uncertain significance (1 of 4 stars; one submission).

Conditions:
Alstrom syndrome (ALMS). Identifiers: Orphanet 64, MedGen C0268425, MONDO:0008763, OMIM 203800.

Submission:

Labcorp Genetics (formerly Invitae), Labcorp
Classification: Uncertain significance for Alstrom syndrome. Last evaluated: 2022-05-04. Review status: criteria provided, single submitter. Criteria: Invitae Variant Classification Sherloc (09022015). Collection method: clinical testing. Allele origin: germline.
Comment: In summary, the available evidence is currently insufficient to determine the role of this variant in disease. Therefore, it has been classified as a Variant of Uncertain Significance. Experimental studies and prediction algorithms are not available or were not evaluated, and the functional significance of this variant is currently unknown. This variant has not been reported in the literature in individuals affected with ALMS1-related conditions. This variant is not present in population databases (gnomAD no frequency). This sequence change replaces isoleucine, which is neutral and non-polar, with leucine, which is neutral and non-polar, at codon 3992 of the ALMS1 protein (p.Ile3992Leu).